The following is an entry in ClinVar:

NM_001791.4(CDC42):c.227A>G (p.Asp76Gly)

Gene: CDC42 (cell division cycle 42; plus strand). Cytogenetic location: 1p36.12.
Variant type: single nucleotide variant.
Coding change: c.227A>G on transcript NM_001791.4 (MANE Select); coding-DNA position 227, A replaced by G.
Protein change: p.Asp76Gly; replaces aspartic acid 76 with glycine.
Molecular consequence: missense variant.
Genome position (GRCh38, 1-based): chr1:22,086,487, A>G. VCF-style: chr1-22086487-A-G. GRCh37 (hg19) VCF-style: chr1-22412980-A-G.
Other names: c.227A>G, p.Asp76Gly (NM_001039802.2, NM_044472.3); short protein forms D76G.
Identifiers: ClinVar variation 3899049 (VCV003899049.1).

ClinVar aggregate classification (germline): Uncertain significance (1 of 4 stars; one submission).

Submission:

GeneDx
Classification: Uncertain significance. Last evaluated: 2024-11-07. Review status: criteria provided, single submitter. Criteria: GeneDx Variant Classification Process June 2021. Collection method: clinical testing. Allele origin: germline. Affected: yes.
Comment: Not observed at significant frequency in large population cohorts (gnomAD); In silico analysis supports that this missense variant has a deleterious effect on protein structure/function; Has not been previously published as pathogenic or benign to our knowledge